The following is an entry in ClinVar:

ClinVar aggregate classification (germline): Uncertain significance (1 of 4 stars; one submission).

Conditions:
LTBP1-related disorder. Also called: LTBP1-related condition.

gnomAD v4.1: 2 of 1,614,202 alleles (0.00012%); highest among the groups gnomAD compares: South Asian, 0.0022%; no homozygotes.

Submission:

PreventionGenetics, part of Exact Sciences
Classification: Uncertain significance for LTBP1-related condition. Last evaluated: 2026-02-23. Review status: criteria provided, single submitter. Criteria: ACMG Guidelines, 2015. Collection method: clinical testing. Allele origin: germline.
Comment: The LTBP1 c.1190-1G>C variant is predicted to disrupt the AG splice acceptor site and interfere with normal splicing. To our knowledge, this variant has not been reported in the literature. This variant is reported in 0.0065% of alleles in individuals of South Asian descent in gnomAD. At this time, the clinical significance of this variant is uncertain due to the absence of conclusive functional and genetic evidence.

NM_206943.4(LTBP1):c.2326G>C (p.Ala776Pro)

Gene: LTBP1 (latent transforming growth factor beta binding protein 1; plus strand). Cytogenetic location: 2p22.3.
Variant type: single nucleotide variant.
Coding change: c.2326G>C on transcript NM_206943.4 (MANE Select); coding-DNA position 2326, G replaced by C.
Protein change: p.Ala776Pro; replaces alanine 776 with proline.
Molecular consequence: missense variant. On other transcripts: splice acceptor variant (11).
Genome position (GRCh38, 1-based): chr2:33,257,442, G>C. VCF-style: chr2-33257442-G-C. GRCh37 (hg19) VCF-style: chr2-33482509-G-C.
Other names: c.1348G>C, p.Ala450Pro (NM_000627.4, NM_001166264.2, NM_001394906.1 and 8 more transcripts); c.1264G>C, p.Ala422Pro (NM_001394907.1, NM_001394914.1, NM_001394915.1); c.1105G>C, p.Ala369Pro (NM_001394916.1); c.2168-1G>C (NM_001394905.1); c.1190-1G>C (NM_001166265.2, NM_001166266.2, NM_001394925.1 and 7 more transcripts); short protein forms A369P, A422P, A450P, A776P.
Identifiers: ClinVar variation 4992053 (VCV004992053.1).